The following is an entry in ClinVar:

ClinVar aggregate classification (germline): Uncertain significance. Review status: criteria provided, multiple submitters, no conflicts (2 of 4 stars). 2 submissions from 2 submitters: Uncertain significance (2). Last evaluated 2024-04-23.

Conditions:
Hereditary cancer-predisposing syndrome. Also called: Hereditary neoplastic syndrome; Tumor predisposition; Neoplastic Syndromes, Hereditary; Hereditary Cancer Syndrome. Identifiers: Orphanet 140162, MedGen C0027672, MeSH D009386, MONDO:0015356.
Familial adenomatous polyposis 1 (FAP1). Also called: POLYPOSIS, ADENOMATOUS INTESTINAL; FAMILIAL ADENOMATOUS POLYPOSIS 1, ATTENUATED. Identifiers: MedGen C2713442, MONDO:0021056, OMIM 175100. Disease mechanism: loss of function.

Submissions (2):

Ambry Genetics
Classification: Uncertain significance for Hereditary cancer-predisposing syndrome. Last evaluated: 2024-04-23. Review status: criteria provided, single submitter. Criteria: Ambry Variant Classification Scheme 2023. Collection method: clinical testing. Allele origin: germline.
Comment: The p.K1199E variant (also known as c.3595A>G), located in coding exon 15 of the APC gene, results from an A to G substitution at nucleotide position 3595. The lysine at codon 1199 is replaced by glutamic acid, an amino acid with similar properties. This amino acid position is highly conserved in available vertebrate species. In addition, in silico predictors for this gene do not accurately predict pathogenicity. Missense alterations in APC are not a common cause of disease (Spier I et al. Genet Med. 2024 Feb;26(2):100992). Based on the available evidence, the clinical significance of this variant remains unclear.

Labcorp Genetics (formerly Invitae), Labcorp
Classification: Uncertain significance for Familial adenomatous polyposis 1. Last evaluated: 2018-03-24. Review status: criteria provided, single submitter. Criteria: Invitae Variant Classification Sherloc (09022015). Collection method: clinical testing. Allele origin: germline.
Comment: In summary, the available evidence is currently insufficient to determine the role of this variant in disease. Therefore, it has been classified as a Variant of Uncertain Significance. Algorithms developed to predict the effect of sequence changes on RNA splicing suggest that this variant may create or strengthen a splice site, but this prediction has not been confirmed by published transcriptional studies. Algorithms developed to predict the effect of missense changes on protein structure and function do not agree on the potential impact of this missense change (SIFT: "Deleterious"; PolyPhen-2: "Possibly Damaging"; Align-GVGD: "Class C0"). This variant has not been reported in the literature in individuals with APC-related disease. This variant is not present in population databases (ExAC no frequency). This sequence change replaces lysine with glutamic acid at codon 1199 of the APC protein (p.Lys1199Glu). The lysine residue is highly conserved and there is a small physicochemical difference between lysine and glutamic acid.

NM_000038.6(APC):c.3595A>G (p.Lys1199Glu)

Gene: APC (APC regulator of Wnt signaling pathway; plus strand). Cytogenetic location: 5q22.2.
Variant type: single nucleotide variant.
Coding change: c.3595A>G on transcript NM_000038.6 (MANE Select); coding-DNA position 3595, A replaced by G.
Protein change: p.Lys1199Glu; replaces lysine 1199 with glutamic acid.
Molecular consequence: missense variant.
Genome position (GRCh38, 1-based): chr5:112,839,189, A>G. VCF-style: chr5-112839189-A-G. GRCh37 (hg19) VCF-style: chr5-112174886-A-G.
Other names: c.3595A>G, p.Lys1199Glu (NM_001127510.3, NM_001354895.2); c.3541A>G, p.Lys1181Glu (NM_001127511.3); c.3649A>G, p.Lys1217Glu (NM_001354896.2); c.3625A>G, p.Lys1209Glu (NM_001354897.2); c.3520A>G, p.Lys1174Glu (NM_001354898.2); c.3511A>G, p.Lys1171Glu (NM_001354899.2); c.3472A>G, p.Lys1158Glu (NM_001354900.2); c.3418A>G, p.Lys1140Glu (NM_001354901.2); and 5 more; short protein forms K1181E, K1199E, K1140E, K1171E, K1174E, K1209E, K1073E, K1098E.
Identifiers: ClinVar variation 570035 (VCV000570035.13), dbSNP rs1561586087, ClinGen allele CA16029229.